The following is an entry in ClinVar:

ClinVar aggregate classification (germline): Uncertain significance. Review status: criteria provided, single submitter (1 of 4 stars). 2 submissions from 2 submitters: Uncertain significance (1). 1 of the submissions does not count toward it. Last evaluated 2024-06-04.

Conditions:
Neurofibromatosis, type 1 (NF1). Also called: Peripheral type neurofibromatosis; Neurofibromatosis, type I; VON RECKLINGHAUSEN DISEASE; NEUROFIBROMATOSIS, TYPE I, SOMATIC. Identifiers: Orphanet 636, MedGen C0027831, MONDO:0018975, OMIM 162200. Disease mechanism: loss of function.

gnomAD v4.1: 1 of 1,612,544 alleles (0.000062%); highest among the groups gnomAD compares: Non-Finnish European, 0.000085%; no homozygotes.

Submissions (2):

Labcorp Genetics (formerly Invitae), Labcorp
Classification: Uncertain significance for Neurofibromatosis, type 1. Last evaluated: 2024-06-04. Review status: criteria provided, single submitter. Criteria: Invitae Variant Classification Sherloc (09022015). Collection method: clinical testing. Allele origin: germline.
Comment: This sequence change replaces valine, which is neutral and non-polar, with glycine, which is neutral and non-polar, at codon 1736 of the NF1 protein (p.Val1736Gly). This variant is not present in population databases (gnomAD no frequency). This missense change has been observed in individual(s) with clinical features of NF1-related conditions and/or neurofibromatosis, type 1 (PMID: 30308447; Invitae). ClinVar contains an entry for this variant (Variation ID: 1048697). An algorithm developed to predict the effect of missense changes on protein structure and function (PolyPhen-2) suggests that this variant is likely to be disruptive. This variant disrupts the p.Val1736 amino acid residue in NF1. Other variant(s) that disrupt this residue have been observed in individuals with NF1-related conditions (PMID: 19142971, 30308447), which suggests that this may be a clinically significant amino acid residue. In summary, the available evidence is currently insufficient to determine the role of this variant in disease. Therefore, it has been classified as a Variant of Uncertain Significance.

Laboratory of Medical Genetics, National & Kapodistrian University of Athens
Classification: Pathogenic for Neurofibromatosis, type 1. Last evaluated: 2019-01-01. Review status: no assertion criteria provided. Collection method: clinical testing. Allele origin: germline. Affected: yes. Not counted in ClinVar's aggregate classification.

Literature cited by the submitters: PubMed 30308447 (cited by Labcorp Genetics (formerly Invitae), Labcorp); PubMed 19142971 (cited by Labcorp Genetics (formerly Invitae), Labcorp).

NM_001042492.3(NF1):c.5270T>G (p.Val1757Gly)

Gene: NF1 (neurofibromin 1; plus strand). Cytogenetic location: 17q11.2.
Variant type: single nucleotide variant.
Coding change: c.5270T>G on transcript NM_001042492.3 (MANE Select); coding-DNA position 5270, T replaced by G.
Protein change: p.Val1757Gly; replaces valine 1757 with glycine.
Molecular consequence: missense variant.
Genome position (GRCh38, 1-based): chr17:31,327,500, T>G. VCF-style: chr17-31327500-T-G. GRCh37 (hg19) VCF-style: chr17-29654518-T-G.
Other names: c.5207T>G, p.Val1736Gly (NM_000267.4); short protein forms V1736G, V1757G.
Identifiers: ClinVar variation 1048697 (VCV001048697.3), dbSNP rs1021835871, ClinGen allele CA399008869.
Genomic context (GRCh38, chr17:31,327,500, plus strand): 5'-AATTTTATGTAAAAGAGTTTAATTCTTCTCCACTTCACCCCGTCACCACCACTTTCCAGG[T>G]TGGTTCTACTGCTGTCCAAGTAACTTCAGCAGAGCGAACAAAAGTCCTAGGGCAATCAGT-3'
Protein context (NP_001035957.1, residues 1747-1767): AHKDTKVSIK[Val1757Gly]GSTAVQVTSA